The following is an entry in ClinVar:

NM_001148.6(ANK2):c.7932G>T (p.Glu2644Asp)

Genes: ANK2 (ankyrin 2; plus strand), LOC126807137 (CDK7 strongly-dependent group 2 enhancer GRCh37_chr4:114276560-114277759; plus strand). Cytogenetic location: 4q26.
Variant type: single nucleotide variant.
Coding change: c.7932G>T on transcript NM_001148.6 (MANE Select); coding-DNA position 7932, G replaced by T.
Protein change: p.Glu2644Asp; replaces glutamic acid 2644 with aspartic acid.
Molecular consequence: missense variant. On other transcripts: intron variant (68).
Genome position (GRCh38, 1-based): chr4:113,356,550, G>T. VCF-style: chr4-113356550-G-T. GRCh37 (hg19) VCF-style: chr4-114277706-G-T.
Other names: c.7698G>T, p.Glu2566Asp (NM_001386142.1); c.4332G>T, p.Glu1444Asp (NM_001386166.1); c.8073G>T, p.Glu2691Asp (NM_001386174.1); c.8049G>T, p.Glu2683Asp (NM_001386175.1); c.4412-4273G>T (NM_001386186.2, NM_001386148.2); c.4214-4273G>T (NM_001354269.3); c.4292-4273G>T (NM_001386187.2); c.4253-4273G>T (NM_001386147.1); and 35 more; short protein forms E2644D, E1444D, E2566D, E2683D, E2691D.
Identifiers: ClinVar variation 641927 (VCV000641927.9), dbSNP rs201645638, ClinGen allele CA357932689.

ClinVar aggregate classification (germline): Uncertain significance. Review status: criteria provided, multiple submitters, no conflicts (2 of 4 stars). 2 submissions from 2 submitters: Uncertain significance (2). Last evaluated 2024-09-01.

Conditions:
Long QT syndrome (LQTS). Identifiers: MedGen C0023976, MeSH D008133, MONDO:0002442. Disease mechanism: loss of function. Inheritance: Various modes of inheritance.
Cardiovascular phenotype. Identifiers: MedGen CN230736.

Allele frequency attached by ClinVar (database versions not stated): TOPMed 0.00001.

Submissions (2):

Ambry Genetics
Classification: Uncertain significance for Cardiovascular phenotype. Last evaluated: 2024-09-01. Review status: criteria provided, single submitter. Criteria: Ambry Variant Classification Scheme 2023. Collection method: clinical testing. Allele origin: germline.

Labcorp Genetics (formerly Invitae), Labcorp
Classification: Uncertain significance for Long QT syndrome. Last evaluated: 2018-08-15. Review status: criteria provided, single submitter. Criteria: Invitae Variant Classification Sherloc (09022015). Collection method: clinical testing. Allele origin: germline.
Comment: In summary, the available evidence is currently insufficient to determine the role of this variant in disease. Therefore, it has been classified as a Variant of Uncertain Significance. Algorithms developed to predict the effect of missense changes on protein structure and function output the following: SIFT: "Tolerated"; PolyPhen-2: "Benign"; Align-GVGD: "Class C0". The aspartic acid amino acid residue is found in multiple mammalian species, suggesting that this missense change does not adversely affect protein function. These predictions have not been confirmed by published functional studies and their clinical significance is uncertain. This variant has not been reported in the literature in individuals with ANK2-related disease. This variant is not present in population databases (ExAC no frequency). This sequence change replaces glutamic acid with aspartic acid at codon 2644 of the ANK2 protein (p.Glu2644Asp). The glutamic acid residue is weakly conserved and there is a small physicochemical difference between glutamic acid and aspartic acid.